The following is an entry in ClinVar:

NM_175876.5(EXOC8):c.1584T>C (p.His528=)

Gene: EXOC8 (exocyst complex component 8; minus strand). Cytogenetic location: 1q42.2.
Variant type: single nucleotide variant.
Coding change: c.1584T>C on transcript NM_175876.5 (MANE Select); coding-DNA position 1584, T replaced by C.
Protein change: p.His528=; no amino-acid change (histidine 528 retained).
Molecular consequence: synonymous variant.
Genome position (GRCh38, 1-based): chr1:231,336,162, A>G on the plus strand (T>C on the coding strand, the complement: EXOC8 is on the minus strand). VCF-style: chr1-231336162-A-G. GRCh37 (hg19) VCF-style: chr1-231471908-A-G.
Identifiers: ClinVar variation 2065676 (VCV002065676.28), dbSNP rs376555975, ClinGen allele CA1452307.

ClinVar aggregate classification (germline): Benign. Review status: criteria provided, multiple submitters, no conflicts (2 of 4 stars). 2 submissions from 2 submitters: Benign (2). Last evaluated 2025-02-06.

Allele frequency attached by ClinVar (database versions not stated): TOPMed 0.00012; gnomAD 0.00038; gnomAD exomes 0.00082; ExAC 0.00196; 1000 Genomes Project 0.00240; 1000 Genomes Project 30x 0.00281.

Submissions (2):

Labcorp Genetics (formerly Invitae), Labcorp
Classification: Benign. Last evaluated: 2025-02-06. Review status: criteria provided, single submitter. Criteria: Invitae Variant Classification Sherloc (09022015). Collection method: clinical testing. Allele origin: germline.

CeGaT Center for Human Genetics Tuebingen
Classification: Benign. Last evaluated: 2023-12-01. Review status: criteria provided, single submitter. Criteria: CeGaT Center For Human Genetics Tuebingen Variant Classification Criteria Version 2. Collection method: clinical testing. Allele origin: germline. Affected: yes. Observed: 2 variant alleles.
Comment: EXOC8: BP4, BP7, BS1, BS2